The following is an entry in ClinVar:

ClinVar aggregate classification (germline): Uncertain significance (1 of 4 stars; one submission).

Conditions:
Progressive microcephaly-seizures-cortical blindness-developmental delay syndrome. Also called: Seizures, cortical blindness, and microcephaly syndrome. Identifiers: Orphanet 477814, MedGen C5567650, MONDO:0014714, OMIM 616632.
Autosomal dominant nonsyndromic hearing loss 1. Also called: KONIGSMARK SYNDROME; DEAFNESS, AUTOSOMAL DOMINANT 1, WITH OR WITHOUT THROMBOCYTOPENIA. Identifiers: Orphanet 90635, MedGen C1852282, MONDO:0007424, OMIM 124900.

Submission:

Labcorp Genetics (formerly Invitae), Labcorp
Classification: Uncertain significance for Progressive microcephaly-seizures-cortical blindness-developmental delay syndrome; Autosomal dominant nonsyndromic hearing loss 1. Last evaluated: 2025-03-17. Review status: criteria provided, single submitter. Criteria: Invitae Variant Classification Sherloc (09022015). Collection method: clinical testing. Allele origin: germline.
Comment: This sequence change replaces aspartic acid, which is acidic and polar, with tyrosine, which is neutral and polar, at codon 290 of the DIAPH1 protein (p.Asp290Tyr). This variant is not present in population databases (gnomAD no frequency). This variant has not been reported in the literature in individuals affected with DIAPH1-related conditions. ClinVar contains an entry for this variant (Variation ID: 2941709). Experimental studies and prediction algorithms are not available or were not evaluated, and the functional significance of this variant is currently unknown. In summary, the available evidence is currently insufficient to determine the role of this variant in disease. Therefore, it has been classified as a Variant of Uncertain Significance.

NM_005219.5(DIAPH1):c.868G>T (p.Asp290Tyr)

Gene: DIAPH1 (diaphanous related formin 1; minus strand). Cytogenetic location: 5q31.3.
Variant type: single nucleotide variant.
Coding change: c.868G>T on transcript NM_005219.5 (MANE Select); coding-DNA position 868, G replaced by T.
Protein change: p.Asp290Tyr; replaces aspartic acid 290 with tyrosine.
Molecular consequence: missense variant.
Genome position (GRCh38, 1-based): chr5:141,579,153, C>A on the plus strand (G>T on the coding strand, the complement: DIAPH1 is on the minus strand). VCF-style: chr5-141579153-C-A. GRCh37 (hg19) VCF-style: chr5-140958720-C-A.
Other names: c.841G>T, p.Asp281Tyr (NM_001079812.3); c.868G>T, p.Asp290Tyr (NM_001314007.2); short protein forms D290Y, D281Y.
Identifiers: ClinVar variation 2941709 (VCV002941709.3), dbSNP rs2513760846, ClinGen allele CA361533841.